The following is an entry in ClinVar:

NC_000004.11:g.(?_15477557)_(16228080_?)dup

Genes: BST1 (bone marrow stromal cell antigen 1; plus strand), CC2D2A (coiled-coil and C2 domain containing 2A; plus strand), CD38 (CD38 molecule; plus strand), FBXL5 (F-box and leucine rich repeat protein 5; minus strand), FGFBP1 (fibroblast growth factor binding protein 1; minus strand) and 4 more. Cytogenetic location: 4p15.32.
Variant type: Duplication.
Identifiers: ClinVar variation 2423660 (VCV002423660.5).

ClinVar aggregate classification (germline): Uncertain significance. Review status: criteria provided, single submitter (1 of 4 stars). 2 submissions from 1 submitter: Uncertain significance (1). 1 of the submissions does not count toward it. Last evaluated 2021-10-19.

Conditions:
Joubert syndrome. Also called: JOUBERT-BOLTSHAUSER SYNDROME; Familial aplasia of the vermis. Identifiers: Orphanet 475, MedGen C5979921, MONDO:0018772.
Meckel-Gruber syndrome. Also called: DYSENCEPHALIA SPLANCHNOCYSTICA; GRUBER SYNDROME; Dysencephalia splachnocystica. Identifiers: Orphanet 564, MedGen C0265215, MONDO:0018921.

Submissions (2):

Labcorp Genetics (formerly Invitae), Labcorp
Classification: Uncertain significance. Last evaluated: 2021-10-19. Review status: criteria provided, single submitter. Criteria: Invitae Variant Classification Sherloc (09022015). Collection method: clinical testing. Allele origin: germline.
Comment: This variant results in a copy number gain of the genomic region encompassing the full coding sequence of the PROM1 gene. The boundaries of this event are unknown as they extend beyond the assayed region for this gene and therefore may encompass additional genes. As the precise location of this event is unknown, it may be in tandem or it may be located elsewhere in the genome. This variant has not been reported in the literature in individuals with PROM1-related conditions. Experimental studies and prediction algorithms are not available or were not evaluated, and the functional significance of this variant is currently unknown. In summary, the available evidence is currently insufficient to determine the role of this variant in disease. Therefore, it has been classified as a Variant of Uncertain Significance.

Labcorp Genetics (formerly Invitae), Labcorp
Classification: Uncertain significance for Joubert syndrome; Meckel-Gruber syndrome. Last evaluated: 2022-08-21. Review status: flagged submission. Criteria: Invitae Variant Classification Sherloc (09022015). Collection method: clinical testing. Allele origin: germline. Not counted in ClinVar's aggregate classification.
Comment: A copy number gain of the genomic region encompassing the full coding sequence of the CC2D2A gene has been identified. The boundaries of this event are unknown as they extend beyond the assayed region for this gene and therefore may encompass additional genes. As the precise location of this event is unknown, it may be in tandem or it may be located elsewhere in the genome. This variant has not been reported in the literature in individuals affected with CC2D2A-related conditions. Experimental studies and prediction algorithms are not available or were not evaluated, and the functional significance of this variant is currently unknown. In summary, the available evidence is currently insufficient to determine the role of this variant in disease. Therefore, it has been classified as a Variant of Uncertain Significance.
ClinVar note: Reason: This record appears to be redundant with a more recent record from the same submitter.
ClinVar note: Notes: SCV003791080 appears to be redundant with SCV003794927.